The following is an entry in ClinVar:

ClinVar aggregate classification (germline): Benign/Likely benign. Review status: criteria provided, multiple submitters, no conflicts (2 of 4 stars). 3 submissions from 3 submitters: Benign (1); Likely benign (2). Last evaluated 2026-06-01.

Allele frequency attached by ClinVar (database versions not stated): TOPMed 0.00003; gnomAD 0.00021; gnomAD exomes 0.00040; 1000 Genomes Project 0.00120; ExAC 0.00127; 1000 Genomes Project 30x 0.00156.
gnomAD v4.1: 624 of 1,612,708 alleles (0.039%); highest among the groups gnomAD compares: South Asian, 0.65%; 8 homozygotes.

Submissions (3):

CeGaT Center for Human Genetics Tuebingen
Classification: Likely benign. Last evaluated: 2026-06-01. Review status: criteria provided, single submitter. Criteria: CeGaT Center For Human Genetics Tuebingen Variant Classification Criteria Version 2. Collection method: clinical testing. Allele origin: germline. Affected: yes. Observed: 1 variant allele.
Comment: ACAN: BP4, BP7

Labcorp Genetics (formerly Invitae), Labcorp
Classification: Benign. Last evaluated: 2025-12-31. Review status: criteria provided, single submitter. Criteria: Invitae Variant Classification Sherloc (09022015). Collection method: clinical testing. Allele origin: germline.

Blueprint Genetics
Classification: Likely benign. Last evaluated: 2024-09-20. Review status: criteria provided, single submitter. Criteria: ACMG Guidelines, 2015. Collection method: clinical testing. Allele origin: germline.

NM_001369268.1(ACAN):c.1929C>T (p.Cys643=)

Gene: ACAN (aggrecan; plus strand). Cytogenetic location: 15q26.1.
Variant type: single nucleotide variant.
Coding change: c.1929C>T on transcript NM_001369268.1 (MANE Select); coding-DNA position 1929, C replaced by T.
Protein change: p.Cys643=; no amino-acid change (cysteine 643 retained).
Molecular consequence: synonymous variant.
Genome position (GRCh38, 1-based): chr15:88,849,634, C>T. VCF-style: chr15-88849634-C-T. GRCh37 (hg19) VCF-style: chr15-89392865-C-T.
Other names: c.1929C>T, p.Cys643= (NM_001135.4, NM_001411096.1, NM_001411097.1 and 1 more transcripts).
Identifiers: ClinVar variation 2054597 (VCV002054597.9), dbSNP rs551265948, ClinGen allele CA7719731.